The following is an entry in ClinVar:

ClinVar aggregate classification (germline): Pathogenic (1 of 4 stars; one submission).

Conditions:
Cardiovascular phenotype. Identifiers: MedGen CN230736.

Submission:

Ambry Genetics
Classification: Pathogenic for Cardiovascular phenotype. Last evaluated: 2026-06-16. Review status: criteria provided, single submitter. Criteria: Ambry Variant Classification Scheme 2023. Collection method: clinical testing. Allele origin: germline.
Comment: The c.1640_1641dupCG pathogenic mutation, located in coding exon 7 of the KCNH2 gene, results from a duplication of CG at nucleotide position 1640, causing a translational frameshift with a predicted alternate stop codon (p.A548Rfs*18). This variant was reported in individual(s) with features consistent with long QT syndrome (Ambry internal data). This variant is considered to be rare based on population cohorts in the Genome Aggregation Database (gnomAD). This alteration is expected to result in loss of function by premature protein truncation or nonsense-mediated mRNA decay. As such, this alteration is interpreted as a disease-causing mutation.

NM_000238.4(KCNH2):c.1640_1641dup (p.Ala548fs)

Gene: KCNH2 (potassium voltage-gated channel subfamily H member 2; minus strand). Cytogenetic location: 7q36.1.
Variant type: Microsatellite.
Coding change: c.1640_1641dup on transcript NM_000238.4 (MANE Select); coding-DNA positions 1640 to 1641, 2 bases duplicated (CG; older notation c.1640_1641dupCG).
Protein change: p.Ala548fs; shifts the reading frame from alanine 548.
Molecular consequence: frameshift variant. On other transcripts: non-coding transcript variant (2).
Genome position (GRCh38, 1-based): chr7:150,951,752-150,951,753, CG duplicated on the plus strand (CG on the coding strand, the reverse complement: KCNH2 is on the minus strand); duplicating any 2 consecutive bases within chr7:150,951,752-150,951,756 gives the same sequence; the c. name uses the placement nearest the transcript's 3' end. VCF-style (leftmost placement, unchanged base first): chr7-150951751-C-CCG. GRCh37 (hg19) VCF-style: chr7-150648839-C-CCG.
Other names: c.620_621dup, p.Ala208fs (NM_172057.3, NM_001204798.2); c.1637_1638GC[3], p.Ala548Argfs (NM_000238.3); c.1352_1353dup, p.Ala452fs (NM_001406753.1, NM_001406756.1); c.1463_1464dup, p.Ala489fs (NM_001406755.1); c.1340_1341dup, p.Ala448fs (NM_001406757.1); c.1640_1641dup, p.Ala548fs (NM_172056.3); c.1640_1641dupCG (NM_000238.3); short protein forms A489fs, A208fs, A548fs, A448fs, A452fs.
Identifiers: ClinVar variation 5022969 (VCV005022969.1).